The following is an entry in ClinVar:

NM_006231.4(POLE):c.6530_6531del (p.Glu2177fs)

Gene: POLE (DNA polymerase epsilon, catalytic subunit; minus strand). Cytogenetic location: 12q24.33.
Variant type: Microsatellite.
Coding change: c.6530_6531del on transcript NM_006231.4 (MANE Select); coding-DNA positions 6530 to 6531, 2 bases deleted (AG; older notation c.6530_6531delAG).
Protein change: p.Glu2177fs; shifts the reading frame from glutamic acid 2177.
Molecular consequence: frameshift variant.
Genome position (GRCh38, 1-based): chr12:132,626,117-132,626,118, CT deleted on the plus strand (AG on the coding strand, the reverse complement: POLE is on the minus strand); deleting any 2 consecutive bases within chr12:132,626,117-132,626,120 gives the same sequence; the c. name uses the placement nearest the transcript's 3' end. VCF-style (leftmost placement, unchanged base first): chr12-132626116-CCT-C. GRCh37 (hg19) VCF-style: chr12-133202702-CCT-C.
Other names: c.6530_6531delAG (NM_006231.2); short protein forms E2177fs.
Identifiers: ClinVar variation 2089174 (VCV002089174.5), dbSNP rs2541840757, ClinGen allele CA2580614598.

ClinVar aggregate classification (germline): Uncertain significance. Review status: criteria provided, multiple submitters, no conflicts (2 of 4 stars). 2 submissions from 2 submitters: Uncertain significance (2). Last evaluated 2026-08-17.

Conditions:
Hereditary cancer-predisposing syndrome. Also called: Tumor predisposition; Hereditary Cancer Syndrome; Hereditary neoplastic syndrome; Neoplastic Syndromes, Hereditary. Identifiers: Orphanet 140162, MedGen C0027672, MeSH D009386, MONDO:0015356.

Submissions (2):

Ambry Genetics
Classification: Uncertain significance for Hereditary cancer-predisposing syndrome. Last evaluated: 2026-08-17. Review status: criteria provided, single submitter. Criteria: Ambry Variant Classification Scheme 2023. Collection method: clinical testing. Allele origin: germline.
Comment: The c.6530_6531delAG variant, located in coding exon 46 of the POLE gene, results from a deletion of two nucleotides at nucleotide positions 6530 to 6531, causing a translational frameshift with a predicted alternate stop codon (p.E2177Gfs*126). This variant occurs at the 3' terminus of the gene, is not expected to trigger nonsense-mediated mRNAdecay and results in the elongation of the protein by 15 amino acids. This frameshift impacts the last 4.8% of the native protein. The exact functional effect of the altered amino acids is unknown. Based on the available evidence, the clinical significance of this variant remains unclear.

Labcorp Genetics (formerly Invitae), Labcorp
Classification: Uncertain significance. Last evaluated: 2022-01-23. Review status: criteria provided, single submitter. Criteria: Invitae Variant Classification Sherloc (09022015). Collection method: clinical testing. Allele origin: germline.
Comment: In summary, the available evidence is currently insufficient to determine the role of this variant in disease. Therefore, it has been classified as a Variant of Uncertain Significance. Algorithms developed to predict the effect of sequence changes on RNA splicing suggest that this variant may disrupt the consensus splice site. This variant has not been reported in the literature in individuals affected with POLE-related conditions. This variant is not present in population databases (gnomAD no frequency). This sequence change results in a frameshift in the POLE gene (p.Glu2177Glyfs*126). While this is not anticipated to result in nonsense mediated decay, it is expected to disrupt the last 110 amino acid(s) of the POLE protein and extend the protein by 15 additional amino acid residues.